The following is an entry in ClinVar:

NM_003002.4(SDHD):c.170-18del

Gene: SDHD (succinate dehydrogenase complex subunit D; plus strand). Cytogenetic location: 11q23.1.
Variant type: Deletion.
Coding change: c.170-18del on transcript NM_003002.4 (MANE Select); 18 bases into the intron before coding-DNA position 170, one base deleted (A; older notation c.170-18delA).
Molecular consequence: intron variant.
Genome position (GRCh38, 1-based): chr11:112,088,849, A deleted; the last of 2 consecutive A bases (chr11:112,088,848-112,088,849); deleting either gives the same sequence. VCF-style (leftmost placement, unchanged base first): chr11-112088847-GA-G. GRCh37 (hg19) VCF-style: chr11-111959571-GA-G.
Other names: c.170-18delA (NM_003002.2); c.170-18del (NM_001276506.2); c.169+876del (NM_001276503.2); c.53-18del (NM_001276504.2).
Identifiers: ClinVar variation 1631356 (VCV001631356.10), dbSNP rs766754598, ClinGen allele CA070768.

ClinVar aggregate classification (germline): Conflicting classifications of pathogenicity. Review status: criteria provided, conflicting classifications (1 of 4 stars). 3 submissions from 3 submitters: Uncertain significance (1); Likely benign (2). Last evaluated 2025-12-12.

Conditions:
Pheochromocytoma/paraganglioma syndrome 1. Also called: PARAGANGLIOMAS, FAMILIAL NONCHROMAFFIN, 1; PGL 1; Paragangliomas familial 1; PARAGANGLIOMATA; Paragangliomas 1; SDHD-Related Hereditary Paraganglioma-Pheochromocytoma Syndrome. Identifiers: Orphanet 29072, MedGen C3494181, MONDO:0008192, OMIM 168000.
Hereditary cancer-predisposing syndrome. Also called: Hereditary Cancer Syndrome; Tumor predisposition; Neoplastic Syndromes, Hereditary; Hereditary neoplastic syndrome. Identifiers: Orphanet 140162, MedGen C0027672, MeSH D009386, MONDO:0015356.
Cowden syndrome 3 (CWS3). Identifiers: Orphanet 201, MedGen CN166604, MONDO:0014045.
Pheochromocytoma. Also called: MAX-Related Hereditary Paraganglioma-Pheochromocytoma Syndrome. Identifiers: Orphanet 29072, MedGen C0031511, MONDO:0008233, OMIM 171300, HP:0002666.
Carney-Stratakis syndrome. Also called: PARAGANGLIOMA AND GASTROINTESTINAL STROMAL TUMOR. Identifiers: Orphanet 97286, MedGen C1847319, MONDO:0011740, OMIM 606864.
Paragangliomas with sensorineural hearing loss. Identifiers: MedGen C1868633.

Submissions (3):

Labcorp Genetics (formerly Invitae), Labcorp
Classification: Likely benign for Carney-Stratakis syndrome; Paragangliomas with sensorineural hearing loss; Pheochromocytoma; Cowden syndrome 3. Last evaluated: 2025-12-12. Review status: criteria provided, single submitter. Criteria: Invitae Variant Classification Sherloc (09022015). Collection method: clinical testing. Allele origin: germline.

Myriad Genetics, Inc.
Classification: Likely benign for Pheochromocytoma/paraganglioma syndrome 1. Last evaluated: 2025-03-17. Review status: criteria provided, single submitter. Criteria: Myriad Autosomal Dominant, Autosomal Recessive and X-Linked Classification Criteria (2023). Collection method: clinical testing. Allele origin: unknown.
Comment: This variant is considered likely benign. This variant is intronic and is not expected to impact mRNA splicing.

Ambry Genetics
Classification: Uncertain significance for Hereditary cancer-predisposing syndrome. Last evaluated: 2015-06-02. Review status: criteria provided, single submitter. Criteria: Ambry Variant Classification Scheme 2023. Collection method: clinical testing. Allele origin: germline.
Comment: The c.170-18delA alteration is located in Intron 2 (E) of the SDHD gene. This alteration consists of a deletion of 1 nucleotides at nucleotide position c.170-18 Intron 2 (E). Based on insufficient or conflicting evidence, the clinical significance of this alteration remains unclear.